The following is an entry in ClinVar:

ClinVar aggregate classification (germline): Uncertain significance (1 of 4 stars; one submission).

Conditions:
Gorlin syndrome. Also called: Nevoid Basal Cell Carcinoma Syndrome; Basal cell nevus syndrome. Identifiers: Orphanet 377, MedGen C0004779, MONDO:0007187.

gnomAD v4.1: 1 of 1,613,384 alleles (0.000062%); highest among the groups gnomAD compares: East Asian, 0.0022%; no homozygotes.

Submission:

Labcorp Genetics (formerly Invitae), Labcorp
Classification: Uncertain significance for Gorlin syndrome. Last evaluated: 2025-05-01. Review status: criteria provided, single submitter. Criteria: Invitae Variant Classification Sherloc (09022015). Collection method: clinical testing. Allele origin: germline.
Comment: This sequence change replaces leucine, which is neutral and non-polar, with histidine, which is basic and polar, at codon 86 of the PTCH1 protein (p.Leu86His). This variant is not present in population databases (gnomAD no frequency). This variant has not been reported in the literature in individuals affected with PTCH1-related conditions. Invitae Evidence Modeling of protein sequence and biophysical properties (such as structural, functional, and spatial information, amino acid conservation, physicochemical variation, residue mobility, and thermodynamic stability) has been performed for this missense variant. However, the output from this modeling did not meet the statistical confidence thresholds required to predict the impact of this variant on PTCH1 protein function. In summary, the available evidence is currently insufficient to determine the role of this variant in disease. Therefore, it has been classified as a Variant of Uncertain Significance.

NM_000264.5(PTCH1):c.257T>A (p.Leu86His)

Gene: PTCH1 (patched 1; minus strand). Cytogenetic location: 9q22.32.
Variant type: single nucleotide variant.
Coding change: c.257T>A on transcript NM_000264.5 (MANE Select); coding-DNA position 257, T replaced by A.
Protein change: p.Leu86His; replaces leucine 86 with histidine.
Molecular consequence: missense variant. On other transcripts: 5 prime UTR variant (4), non-coding transcript variant (1).
Genome position (GRCh38, 1-based): chr9:95,506,544, A>T on the plus strand (T>A on the coding strand, the complement: PTCH1 is on the minus strand). VCF-style: chr9-95506544-A-T. GRCh37 (hg19) VCF-style: chr9-98268826-A-T.
Other names: c.59T>A, p.Leu20His (NM_001083602.3, NM_001354919.2); c.254T>A, p.Leu85His (NM_001083603.3); c.-197T>A (NM_001083604.3, NM_001083605.3, NM_001083606.3 and 1 more transcripts); c.257T>A, p.Leu86His (NM_001354918.2); short protein forms L20H, L85H, L86H.
Identifiers: ClinVar variation 4801811 (VCV004801811.1).